The following is an entry in ClinVar:

NM_000235.4(LIPA):c.481A>T (p.Asn161Tyr)

Gene: LIPA (lipase A, lysosomal acid type; minus strand). Cytogenetic location: 10q23.31.
Variant type: single nucleotide variant.
Coding change: c.481A>T on transcript NM_000235.4 (MANE Select); coding-DNA position 481, A replaced by T.
Protein change: p.Asn161Tyr; replaces asparagine 161 with tyrosine.
Molecular consequence: missense variant.
Genome position (GRCh38, 1-based): chr10:89,226,952, T>A on the plus strand (A>T on the coding strand, the complement: LIPA is on the minus strand). VCF-style: chr10-89226952-T-A. GRCh37 (hg19) VCF-style: chr10-90986709-T-A.
Other names: c.481A>T, p.Asn161Tyr (NM_001127605.3); c.133A>T, p.Asn45Tyr (NM_001288979.2); short protein forms N161Y, N45Y.
Identifiers: ClinVar variation 3703031 (VCV003703031.2).
Genomic context (GRCh38, chr10:89,226,952, plus strand): 5'-TACCTATAGTGGTGCCTTGAGAATGACCCACATAATACACTTGTTCTTGGCCAGTTTTAT[T>A]CAGAATGAAGTTAATGGAAGCTGGTAGGTCATATTTTGCCATCTCATCATAACTGTAATC-3'
Protein context (NP_000226.2, residues 151-171): DLPASINFIL[Asn161Tyr]KTGQEQVYYV

ClinVar aggregate classification (germline): Uncertain significance (1 of 4 stars; one submission).

Conditions:
Wolman disease (WOLD). Also called: Acid cholesteryl ester hydrolase deficiency, Wolman type; Acid lipase disease; Wolman disease, CESD; Wolman disease with hypolipoproteinemia and acanthocytosis; LYSOSOMAL ACID LIPASE DEFICIENCY, ACUTE INFANTILE; LYSOSOMAL ACID LIPASE DEFICIENCY, COMPLETE. Identifiers: Orphanet 75233, MedGen C0043208, MONDO:0019148, OMIM 620151.

gnomAD v4.1: 6 of 1,613,680 alleles (0.00037%); highest among the groups gnomAD compares: Non-Finnish European, 0.00042%; no homozygotes.

Submission:

Labcorp Genetics (formerly Invitae), Labcorp
Classification: Uncertain significance for Wolman disease. Last evaluated: 2024-06-12. Review status: criteria provided, single submitter. Criteria: Invitae Variant Classification Sherloc (09022015). Collection method: clinical testing. Allele origin: germline.
Comment: This sequence change replaces asparagine, which is neutral and polar, with tyrosine, which is neutral and polar, at codon 161 of the LIPA protein (p.Asn161Tyr). This variant is not present in population databases (gnomAD no frequency). This variant has not been reported in the literature in individuals affected with LIPA-related conditions. Advanced modeling of protein sequence and biophysical properties (such as structural, functional, and spatial information, amino acid conservation, physicochemical variation, residue mobility, and thermodynamic stability) performed at Invitae indicates that this missense variant is not expected to disrupt LIPA protein function with a negative predictive value of 80%. In summary, the available evidence is currently insufficient to determine the role of this variant in disease. Therefore, it has been classified as a Variant of Uncertain Significance.